The following is an entry in ClinVar:

NM_017752.3(TBC1D8B):c.872T>C (p.Phe291Ser)

Gene: TBC1D8B (TBC1 domain family member 8B; plus strand). Cytogenetic location: Xq22.3.
Variant type: single nucleotide variant.
Coding change: c.872T>C on transcript NM_017752.3 (MANE Select); coding-DNA position 872, T replaced by C.
Protein change: p.Phe291Ser; replaces phenylalanine 291 with serine.
Molecular consequence: missense variant.
Genome position (GRCh38, 1-based): chrX:106,826,074, T>C. VCF-style: chrX-106826074-T-C. GRCh37 (hg19) VCF-style: chrX-106069304-T-C.
Other names: c.872T>C, p.Phe291Ser (NM_198881.2); short protein forms F291S.
Identifiers: ClinVar variation 635780 (VCV000635780.2), dbSNP rs1602413491, ClinGen allele CA413824135.

ClinVar aggregate classification (germline): Likely pathogenic. Review status: criteria provided, single submitter (1 of 4 stars). 2 submissions from 2 submitters: Likely pathogenic (1). 1 of the submissions does not count toward it. Last evaluated 2019-08-20.

Conditions:
Nephrotic syndrome, type 20. Identifiers: MedGen C5193011, MONDO:0026726, OMIM 301028.

Submissions (2):

SIB Swiss Institute of Bioinformatics
Classification: Likely pathogenic for Nephrotic syndrome, type 20. Last evaluated: 2019-08-20. Review status: criteria provided, single submitter. Criteria: ACMG Guidelines, 2015. Collection method: curation. Allele origin: unknown.
Comment: This variant is interpreted as a Likely pathogenic for Nephrotic syndrome 20, X-linked. The following ACMG Tag(s) were applied: PM2, PP3, PS3.

OMIM
Classification: Pathogenic for NEPHROTIC SYNDROME, TYPE 20. Last evaluated: 2019-07-11. Review status: no assertion criteria provided. Collection method: literature only. Allele origin: germline. Not counted in ClinVar's aggregate classification.

Literature cited by the submitters: PubMed 30661770 (cited by SIB Swiss Institute of Bioinformatics and OMIM).